The following is an entry in ClinVar:

ClinVar aggregate classification (germline): Uncertain significance (1 of 4 stars; one submission).

Conditions:
POLD1-related polyposis and colorectal cancer syndrome (CRCS10). Also called: Colorectal cancer, susceptibility to, 10; Colorectal cancer 10; COLORECTAL CANCER, SUSCEPTIBILITY TO, ON CHROMOSOME 19q. Identifiers: Orphanet 220460, MedGen C2675481, MONDO:0012953, OMIM 612591.

Submission:

Labcorp Genetics (formerly Invitae), Labcorp
Classification: Uncertain significance for POLD1-related polyposis and colorectal cancer syndrome. Last evaluated: 2021-07-30. Review status: criteria provided, single submitter. Criteria: Invitae Variant Classification Sherloc (09022015). Collection method: clinical testing. Allele origin: germline.
Comment: In summary, this variant is a novel missense change with uncertain impact on protein function. It has been classified as a Variant of Uncertain Significance. Algorithms developed to predict the effect of missense changes on protein structure and function do not agree on the potential impact of this missense change (SIFT: "Tolerated"; PolyPhen-2: "Possibly Damaging"; Align-GVGD: "Class C0"). This variant is not present in population databases (ExAC no frequency) and has not been reported in the literature in individuals with a POLD1-related disease. This sequence change replaces glycine with glutamic acid at codon 179 of the POLD1 protein (p.Gly179Glu). The glycine residue is weakly conserved and there is a moderate physicochemical difference between glycine and glutamic acid.

NM_002691.4(POLD1):c.536G>A (p.Gly179Glu)

Gene: POLD1 (DNA polymerase delta 1, catalytic subunit; plus strand). Cytogenetic location: 19q13.33.
Variant type: single nucleotide variant.
Coding change: c.536G>A on transcript NM_002691.4 (MANE Select); coding-DNA position 536, G replaced by A.
Protein change: p.Gly179Glu; replaces glycine 179 with glutamic acid.
Molecular consequence: missense variant. On other transcripts: non-coding transcript variant (1).
Genome position (GRCh38, 1-based): chr19:50,402,071, G>A. VCF-style: chr19-50402071-G-A. GRCh37 (hg19) VCF-style: chr19-50905328-G-A.
Other names: c.536G>A, p.Gly179Glu (NM_001256849.1, NM_001308632.1); short protein forms G179E.
Identifiers: ClinVar variation 408045 (VCV000408045.9), dbSNP rs1060501831, ClinGen allele CA16616333.
Genomic context (GRCh38, chr19:50,402,071, plus strand): 5'-AGCACATGGGTGACCTGCAACGGGAGCTGAACTTGGCCATCAGCCGGGACAGTCGCGGGG[G>A]GAGGGAGCTGACTGGGCCGGCCGTGCTGGCTGTGGAACTGTGCTCCCGAGAGAGTGAGTG-3'
Protein context (NP_002682.2, residues 169-189): NLAISRDSRG[Gly179Glu]RELTGPAVLA